The following is an entry in ClinVar:

ClinVar aggregate classification (germline): Benign (0 of 4 stars; one submission).

Conditions:
BIRC6-related disorder. Also called: BIRC6-related condition.

Allele frequency attached by ClinVar (database versions not stated): ESP Exome Variant Server 0.05783; gnomAD 0.06310; 1000 Genomes Project 30x 0.06371; TOPMed 0.06480; 1000 Genomes Project 0.06789; gnomAD exomes 0.07568; ExAC 0.09116.
gnomAD v4.1: 119,233 of 1,602,818 alleles (7.4%); highest among the groups gnomAD compares: East Asian, 15%; 4,901 homozygotes.

Submissions (12):

PreventionGenetics, part of Exact Sciences
Classification: Benign for BIRC6-related condition. Last evaluated: 2019-11-04. Review status: no assertion criteria provided. Collection method: clinical testing. Allele origin: germline.
Comment: This variant is classified as benign based on ACMG/AMP sequence variant interpretation guidelines (Richards et al. 2015 PMID: 25741868, with internal and published modifications).

Dr. Peter K. Rogan Lab, Western University
No classification provided (evidence only). Condition: Acute myeloid leukemia. Review status: no classification provided. Collection method: in vitro. Allele origin: not applicable. Functional consequence: skipped exon. Not counted in ClinVar's aggregate classification.

Dr. Peter K. Rogan Lab, Western University
No classification provided (evidence only). Condition: Acute myeloid leukemia. Review status: no classification provided. Collection method: in vitro. Allele origin: not applicable. Functional consequence: skipped exon. Not counted in ClinVar's aggregate classification.

Dr. Peter K. Rogan Lab, Western University
No classification provided (evidence only). Condition: Acute myeloid leukemia. Review status: no classification provided. Collection method: in vitro. Allele origin: not applicable. Functional consequence: retained intron. Not counted in ClinVar's aggregate classification.

Dr. Peter K. Rogan Lab, Western University
No classification provided (evidence only). Condition: Acute myeloid leukemia. Review status: no classification provided. Collection method: in vitro. Allele origin: not applicable. Functional consequence: skipped exon. Not counted in ClinVar's aggregate classification.

Dr. Peter K. Rogan Lab, Western University
No classification provided (evidence only). Condition: Acute myeloid leukemia. Review status: no classification provided. Collection method: in vitro. Allele origin: not applicable. Functional consequence: retained intron. Not counted in ClinVar's aggregate classification.

Dr. Peter K. Rogan Lab, Western University
No classification provided (evidence only). Condition: Acute myeloid leukemia. Review status: no classification provided. Collection method: in vitro. Allele origin: not applicable. Functional consequence: retained intron. Not counted in ClinVar's aggregate classification.

Dr. Peter K. Rogan Lab, Western University
No classification provided (evidence only). Condition: Acute myeloid leukemia. Review status: no classification provided. Collection method: in vitro. Allele origin: not applicable. Functional consequence: skipped exon, retained intron. Not counted in ClinVar's aggregate classification.

Dr. Peter K. Rogan Lab, Western University
No classification provided (evidence only). Condition: Acute myeloid leukemia. Review status: no classification provided. Collection method: in vitro. Allele origin: not applicable. Functional consequence: skipped exon, retained intron. Not counted in ClinVar's aggregate classification.

Dr. Peter K. Rogan Lab, Western University
No classification provided (evidence only). Condition: Acute myeloid leukemia. Review status: no classification provided. Collection method: in vitro. Allele origin: not applicable. Functional consequence: retained intron. Not counted in ClinVar's aggregate classification.

Dr. Peter K. Rogan Lab, Western University
No classification provided (evidence only). Condition: Malignant lymphoma, large B-cell, diffuse. Review status: no classification provided. Collection method: in vitro. Allele origin: not applicable. Functional consequence: retained intron. Not counted in ClinVar's aggregate classification.

Dr. Peter K. Rogan Lab, Western University
No classification provided (evidence only). Condition: Nonpapillary renal cell carcinoma. Review status: no classification provided. Collection method: in vitro. Allele origin: not applicable. Functional consequence: skipped exon. Not counted in ClinVar's aggregate classification.

NM_016252.4(BIRC6):c.5313A>G (p.Gln1771=)

Gene: BIRC6 (baculoviral IAP repeat containing 6; plus strand). Cytogenetic location: 2p22.3.
Variant type: single nucleotide variant.
Coding change: c.5313A>G on transcript NM_016252.4 (MANE Select); coding-DNA position 5313, A replaced by G.
Protein change: p.Gln1771=; no amino-acid change (glutamine 1771 retained).
Molecular consequence: synonymous variant.
Genome position (GRCh38, 1-based): chr2:32,465,121, A>G. VCF-style: chr2-32465121-A-G. GRCh37 (hg19) VCF-style: chr2-32690189-A-G.
Other names: NC_000002.11:g.32690189A>G; c.5283A>G, p.Gln1761= (NM_001378125.1).
Identifiers: ClinVar variation 3059999 (VCV003059999.3), dbSNP rs35682129, ClinGen allele CA1603598.